The following is an entry in ClinVar:

NM_017763.6(RNF43):c.2114G>C (p.Gly705Ala)

Gene: RNF43 (ring finger protein 43; minus strand). Cytogenetic location: 17q22.
Variant type: single nucleotide variant.
Coding change: c.2114G>C on transcript NM_017763.6 (MANE Select); coding-DNA position 2114, G replaced by C.
Protein change: p.Gly705Ala; replaces glycine 705 with alanine.
Molecular consequence: missense variant.
Genome position (GRCh38, 1-based): chr17:58,357,662, C>G on the plus strand (G>C on the coding strand, the complement: RNF43 is on the minus strand). VCF-style: chr17-58357662-C-G. GRCh37 (hg19) VCF-style: chr17-56435023-C-G.
Other names: c.2114G>C, p.Gly705Ala (NM_001305544.3); c.1733G>C, p.Gly578Ala (NM_001305545.2); short protein forms G578A, G705A.
Identifiers: ClinVar variation 3946905 (VCV003946905.1).
Genomic context (GRCh38, chr17:58,357,662, plus strand): 5'-ACTGGCTGTGAATTTGAGTAACAGGGGCCTGGGGTTTCTGGTAGCAGCCTCTTGTCCAGG[C>G]CTGGAGGTCCACAGATCAAGGGGTGTGCCTCTGGGGACCAAGGATATGCCACACTGGGGG-3'
Protein context (NP_060233.3, residues 695-715): EAHPLICGPP[Gly705Ala]LDKRLLPETP

ClinVar aggregate classification (germline): Uncertain significance (1 of 4 stars; one submission).

Submission:

Ambry Genetics
Classification: Uncertain significance. Last evaluated: 2025-05-21. Review status: criteria provided, single submitter. Criteria: Ambry Variant Classification Scheme 2023. Collection method: clinical testing. Allele origin: germline.
Comment: The p.G705A variant (also known as c.2114G>C), located in coding exon 8 of the RNF43 gene, results from a G to C substitution at nucleotide position 2114. The glycine at codon 705 is replaced by alanine, an amino acid with similar properties. This amino acid position is conserved. In addition, this alteration is predicted to be tolerated by in silico analysis. Based on the available evidence, the clinical significance of this variant remains unclear.